The following is an entry in ClinVar:

ClinVar aggregate classification (germline): Pathogenic (1 of 4 stars; one submission).

Conditions:
Renal tubular acidosis, distal, 3, with or without sensorineural hearing loss (DRTA3). Identifiers: MedGen C5399980, MONDO:0011268, OMIM 602722.

Allele frequency attached by ClinVar (database versions not stated): gnomAD exomes below 0.00001.
gnomAD v4.1: 1 of 1,577,216 alleles (0.000063%); highest among the groups gnomAD compares: Non-Finnish European, 0.000086%; no homozygotes.

Submission:

3billion
Classification: Pathogenic for Renal tubular acidosis, distal, 3, with or without sensorineural hearing loss. Last evaluated: 2022-09-01. Review status: criteria provided, single submitter. Criteria: ACMG Guidelines, 2015. Collection method: clinical testing. Allele origin: germline. Affected: yes. Observed: 1 homozygote.
Comment: The variant is not observed in the gnomAD v2.1.1 dataset. Canonical splice site is predicted to alter splicing and result in a loss or disruption of normal protein function. Multiple pathogenic loss-of-function variants are reported downstream of the variant. Therefore, this variant is classified as Pathogenic according to the recommendation of ACMG/AMP guideline.

NM_020632.3(ATP6V0A4):c.1030-2A>C

Gene: ATP6V0A4 (ATPase H+ transporting V0 subunit a4; minus strand). Cytogenetic location: 7q34.
Variant type: single nucleotide variant.
Coding change: c.1030-2A>C on transcript NM_020632.3 (MANE Select); the canonical splice acceptor site of the intron before coding-DNA position 1030, A replaced by C.
Molecular consequence: splice acceptor variant.
Genome position (GRCh38, 1-based): chr7:138,749,319, T>G on the plus strand (A>C on the coding strand, the complement: ATP6V0A4 is on the minus strand). VCF-style: chr7-138749319-T-G. GRCh37 (hg19) VCF-style: chr7-138434064-T-G.
Other names: c.1030-2A>C (NM_130840.3, NM_130841.3).
Identifiers: ClinVar variation 1705668 (VCV001705668.1), dbSNP rs868326109, ClinGen allele CA369371984.